The following is an entry in ClinVar:

ClinVar aggregate classification (germline): Pathogenic (1 of 4 stars; one submission).

Conditions:
Epilepsy, childhood absence, susceptibility to, 1. Also called: Epilepsy, childhood absence 1. Identifiers: Orphanet 64280, MedGen C1838604, MONDO:0020759, OMIM 600131.
Epilepsy, childhood absence, susceptibility to, 5. Identifiers: Orphanet 64280, MedGen C2677087, MONDO:0012843, OMIM 612269.

Submission:

Labcorp Genetics (formerly Invitae), Labcorp
Classification: Pathogenic for Epilepsy, childhood absence, susceptibility to, 5; Epilepsy, childhood absence, susceptibility to, 1. Last evaluated: 2023-05-22. Review status: criteria provided, single submitter. Criteria: Invitae Variant Classification Sherloc (09022015). Collection method: clinical testing. Allele origin: unknown.
Comment: For these reasons, this variant has been classified as Pathogenic. This variant has not been reported in the literature in individuals affected with GABRB3-related conditions. This variant is a gross deletion of the genomic region encompassing exon(s) 1-3 of the GABRB3 gene, which includes the initiator codon. This deletion extends beyond the assayed region for this gene and therefore may encompass additional genes. It is expected to result in an absent or disrupted protein product. Loss-of-function variants in GABRB3 are known to be pathogenic (PMID: 26950270, 28053010).

Literature cited by the submitters: PubMed 26950270; PubMed 28053010.

NC_000015.9:g.(?_27017529)_(27018109_?)del

Gene: GABRB3 (gamma-aminobutyric acid type A receptor subunit beta3; minus strand). Cytogenetic location: 15q12.
Variant type: Deletion.
Identifiers: ClinVar variation 3243812 (VCV003243812.1).